The following is an entry in ClinVar:

NM_031892.3(SH3KBP1):c.449A>C (p.Asn150Thr)

Gene: SH3KBP1 (SH3 domain containing kinase binding protein 1; minus strand). Cytogenetic location: Xp22.12.
Variant type: single nucleotide variant.
Coding change: c.449A>C on transcript NM_031892.3 (MANE Select); coding-DNA position 449, A replaced by C.
Protein change: p.Asn150Thr; replaces asparagine 150 with threonine.
Molecular consequence: missense variant.
Genome position (GRCh38, 1-based): chrX:19,695,683, T>G on the plus strand (A>C on the coding strand, the complement: SH3KBP1 is on the minus strand). VCF-style: chrX-19695683-T-G. GRCh37 (hg19) VCF-style: chrX-19713801-T-G.
Other names: c.338A>C, p.Asn113Thr (NM_001024666.3); c.449A>C, p.Asn150Thr (NM_001353890.2, NM_001353891.2, NM_001353892.2 and 2 more transcripts); c.272A>C, p.Asn91Thr (NM_001353893.2, NM_001353894.2, NM_001353895.2 and 1 more transcripts); short protein forms N113T, N150T, N91T.
Identifiers: ClinVar variation 4809883 (VCV004809883.1).

ClinVar aggregate classification (germline): Uncertain significance (1 of 4 stars; one submission).

Submission:

Labcorp Genetics (formerly Invitae), Labcorp
Classification: Uncertain significance. Last evaluated: 2025-12-19. Review status: criteria provided, single submitter. Criteria: Invitae Variant Classification Sherloc (09022015). Collection method: clinical testing. Allele origin: germline.
Comment: This sequence change replaces asparagine, which is neutral and polar, with threonine, which is neutral and polar, at codon 150 of the SH3KBP1 protein (p.Asn150Thr). This variant is not present in population databases (gnomAD no frequency). This variant has not been reported in the literature in individuals affected with SH3KBP1-related conditions. Invitae Evidence Modeling of protein sequence and biophysical properties (such as structural, functional, and spatial information, amino acid conservation, physicochemical variation, residue mobility, and thermodynamic stability) indicates that this missense variant is expected to disrupt SH3KBP1 protein function with a positive predictive value of 80%. In summary, the available evidence is currently insufficient to determine the role of this variant in disease. Therefore, it has been classified as a Variant of Uncertain Significance.